The following is an entry in ClinVar:

ClinVar aggregate classification (germline): Uncertain significance. Review status: criteria provided, multiple submitters, no conflicts (2 of 4 stars). 2 submissions from 2 submitters: Uncertain significance (2). Last evaluated 2024-08-20.

Conditions:
Inborn genetic diseases. Identifiers: MedGen C0950123, MeSH D030342.

Allele frequency attached by ClinVar (database versions not stated): ExAC 0.00001; gnomAD exomes 0.00002.
gnomAD v4.1: 24 of 1,612,086 alleles (0.0015%); highest among the groups gnomAD compares: Non-Finnish European, 0.0018%; no homozygotes.

Submissions (2):

Ambry Genetics
Classification: Uncertain significance for Inborn genetic diseases. Last evaluated: 2024-08-20. Review status: criteria provided, single submitter. Criteria: Ambry Variant Classification Scheme 2023. Collection method: clinical testing. Allele origin: germline.

Labcorp Genetics (formerly Invitae), Labcorp
Classification: Uncertain significance. Last evaluated: 2023-12-11. Review status: criteria provided, single submitter. Criteria: Invitae Variant Classification Sherloc (09022015). Collection method: clinical testing. Allele origin: germline.
Comment: This sequence change replaces valine, which is neutral and non-polar, with methionine, which is neutral and non-polar, at codon 789 of the MYO18B protein (p.Val789Met). The frequency data for this variant in the population databases is considered unreliable, as metrics indicate poor data quality at this position in the gnomAD database. This variant has not been reported in the literature in individuals affected with MYO18B-related conditions. ClinVar contains an entry for this variant (Variation ID: 1523024). Algorithms developed to predict the effect of missense changes on protein structure and function output the following: SIFT: "Not Available"; PolyPhen-2: "Benign"; Align-GVGD: "Not Available". The methionine amino acid residue is found in multiple mammalian species, which suggests that this missense change does not adversely affect protein function. In summary, the available evidence is currently insufficient to determine the role of this variant in disease. Therefore, it has been classified as a Variant of Uncertain Significance.

NM_032608.7(MYO18B):c.2365G>A (p.Val789Met)

Gene: MYO18B (myosin XVIIIB; plus strand). Cytogenetic location: 22q12.1.
Variant type: single nucleotide variant.
Coding change: c.2365G>A on transcript NM_032608.7 (MANE Select); coding-DNA position 2365, G replaced by A.
Protein change: p.Val789Met; replaces valine 789 with methionine.
Molecular consequence: missense variant.
Genome position (GRCh38, 1-based): chr22:25,785,480, G>A. VCF-style: chr22-25785480-G-A. GRCh37 (hg19) VCF-style: chr22-26181447-G-A.
Other names: c.2365G>A, p.Val789Met (NM_001318245.2); c.2365G>A (NM_032608.5); short protein forms V789M.
Identifiers: ClinVar variation 1523024 (VCV001523024.5), dbSNP rs766189696, ClinGen allele CA10160138.